The following is an entry in ClinVar:

NM_000165.5(GJA1):c.655G>A (p.Val219Met)

Gene: GJA1 (gap junction protein alpha 1; plus strand). Cytogenetic location: 6q22.31.
Variant type: single nucleotide variant.
Coding change: c.655G>A on transcript NM_000165.5 (MANE Select); coding-DNA position 655, G replaced by A.
Protein change: p.Val219Met; replaces valine 219 with methionine.
Molecular consequence: missense variant.
Genome position (GRCh38, 1-based): chr6:121,447,502, G>A. VCF-style: chr6-121447502-G-A. GRCh37 (hg19) VCF-style: chr6-121768648-G-A.
Other names: short protein forms V219M.
Identifiers: ClinVar variation 1721968 (VCV001721968.5), dbSNP rs2536822290, ClinGen allele CA365559497.

ClinVar aggregate classification (germline): Uncertain significance (1 of 4 stars; one submission).

Conditions:
Oculodentodigital dysplasia, autosomal recessive. Also called: OCULODENTOOSSEOUS DYSPLASIA, AUTOSOMAL RECESSIVE; ODDD, AUTOSOMAL RECESSIVE; ODOD, AUTOSOMAL RECESSIVE. Identifiers: Orphanet 2710, MedGen C2749477, MONDO:0009768, OMIM 257850.

Allele frequency attached by ClinVar (database versions not stated): gnomAD exomes 0.00001.
gnomAD v4.1: 9 of 1,613,924 alleles (0.00056%); highest among the groups gnomAD compares: Non-Finnish European, 0.00076%; no homozygotes.

Submission:

Labcorp Genetics (formerly Invitae), Labcorp
Classification: Uncertain significance for Oculodentodigital dysplasia, autosomal recessive. Last evaluated: 2025-07-10. Review status: criteria provided, single submitter. Criteria: Invitae Variant Classification Sherloc (09022015). Collection method: clinical testing. Allele origin: germline.
Comment: This sequence change replaces valine, which is neutral and non-polar, with methionine, which is neutral and non-polar, at codon 219 of the GJA1 protein (p.Val219Met). This variant is not present in population databases (gnomAD no frequency). This variant has not been reported in the literature in individuals affected with GJA1-related conditions. ClinVar contains an entry for this variant (Variation ID: 1721968). Invitae Evidence Modeling of protein sequence and biophysical properties (such as structural, functional, and spatial information, amino acid conservation, physicochemical variation, residue mobility, and thermodynamic stability) has been performed for this missense variant. However, the output from this modeling did not meet the statistical confidence thresholds required to predict the impact of this variant on GJA1 protein function. In summary, the available evidence is currently insufficient to determine the role of this variant in disease. Therefore, it has been classified as a Variant of Uncertain Significance.